The following is an entry in ClinVar:

ClinVar aggregate classification (germline): Likely benign (1 of 4 stars; one submission).

Conditions:
KIRREL1-related disorder. Also called: KIRREL1-related condition.

gnomAD v4.1: 122 of 1,601,892 alleles (0.0076%); highest among the groups gnomAD compares: African/African-American, 0.15%; no homozygotes.

Submission:

PreventionGenetics, part of Exact Sciences
Classification: Likely benign for KIRREL1-related condition. Last evaluated: 2026-01-05. Review status: criteria provided, single submitter. Criteria: ACMG Guidelines, 2015. Collection method: clinical testing. Allele origin: germline.
Comment: This variant is classified as likely benign based on ACMG/AMP sequence variant interpretation guidelines (Richards et al. 2015 PMID: 25741868, with internal and published modifications).

NM_018240.7(KIRREL1):c.1720-4A>C

Genes: KIRREL1 (kirre like nephrin family adhesion molecule 1; plus strand), LOC126805884 (BRD4-independent group 4 enhancer GRCh37_chr1:158063276-158064475; plus strand). Cytogenetic location: 1q23.1.
Variant type: single nucleotide variant.
Coding change: c.1720-4A>C on transcript NM_018240.7 (MANE Select); 4 bases into the intron before coding-DNA position 1720, A replaced by C.
Molecular consequence: intron variant.
Genome position (GRCh38, 1-based): chr1:158,094,309, A>C. VCF-style: chr1-158094309-A-C. GRCh37 (hg19) VCF-style: chr1-158064099-A-C.
Other names: c.1420-4A>C (NM_001286349.2).
Identifiers: ClinVar variation 4989959 (VCV004989959.1).